The following is an entry in ClinVar:

NM_001323289.2(CDKL5):c.427dup (p.Ile143fs)

Gene: CDKL5 (cyclin dependent kinase like 5; plus strand). Cytogenetic location: Xp22.13.
Variant type: Duplication.
Coding change: c.427dup on transcript NM_001323289.2 (MANE Select); coding-DNA position 427, one base duplicated (A; older notation c.427dupA).
Protein change: p.Ile143fs; shifts the reading frame from isoleucine 143.
Molecular consequence: frameshift variant.
Genome position (GRCh38, 1-based): chrX:18,581,914, A duplicated; the last of 2 consecutive A bases (chrX:18,581,913-18,581,914); duplicating either gives the same sequence. VCF-style (leftmost placement, unchanged base first): chrX-18581912-T-TA. GRCh37 (hg19) VCF-style: chrX-18600032-T-TA.
Other names: c.427dup, p.Ile143fs (NM_001037343.2, NM_003159.3); c.427dupA (NM_003159.2); c.427dup (NM_003159.2); short protein forms I143fs.
Identifiers: ClinVar variation 432570 (VCV000432570.3), dbSNP rs1555949752, ClinGen allele CA645372672.

ClinVar aggregate classification (germline): Pathogenic (1 of 4 stars; one submission).

Submission:

GeneDx
Classification: Pathogenic. Last evaluated: 2024-08-15. Review status: criteria provided, single submitter. Criteria: GeneDx Variant Classification Process June 2021. Collection method: clinical testing. Allele origin: germline. Affected: yes.
Comment: Frameshift variant predicted to result in protein truncation or nonsense mediated decay in a gene for which loss of function is a known mechanism of disease; Not observed at significant frequency in large population cohorts (gnomAD); Has not been previously published as pathogenic or benign to our knowledge